The following is an entry in ClinVar:

ClinVar aggregate classification (germline): Uncertain significance (1 of 4 stars; one submission).

Conditions:
X-linked sideroblastic anemia with ataxia (SCAX6). Also called: SPINOCEREBELLAR ATAXIA, X-LINKED 6, WITH OR WITHOUT SIDEROBLASTIC ANEMIA. Identifiers: Orphanet 2802, MedGen C1845028, MONDO:0010524, OMIM 301310.

Submission:

Institute of Human Genetics, University of Leipzig Medical Center
Classification: Uncertain significance for X-linked sideroblastic anemia with ataxia. Last evaluated: 2018-12-10. Review status: criteria provided, single submitter. Criteria: ACMG Guidelines, 2015. Collection method: clinical testing. Allele origin: germline. Affected: yes. Observed: 1 variant allele.
Comment: This variant was identified as hemizygous

NM_001271696.3(ABCB7):c.944+3A>G

Gene: ABCB7 (ATP binding cassette subfamily B member 7; minus strand). Cytogenetic location: Xq13.3.
Variant type: single nucleotide variant.
Coding change: c.944+3A>G on transcript NM_001271696.3 (MANE Select); 3 bases into the intron after coding-DNA position 944, A replaced by G.
Molecular consequence: intron variant.
Genome position (GRCh38, 1-based): chrX:75,073,865, T>C on the plus strand (A>G on the coding strand, the complement: ABCB7 is on the minus strand). VCF-style: chrX-75073865-T-C. GRCh37 (hg19) VCF-style: chrX-74293700-T-C.
Other names: c.866+3A>G (NM_001271698.3); c.824+3A>G (NM_001271697.3); c.827+3A>G (NM_001271699.3); c.947+3A>G (NM_004299.6).
Identifiers: ClinVar variation 976048 (VCV000976048.1), dbSNP rs2081385144, ClinGen allele CA1139667657.